The following is an entry in ClinVar:

NM_080425.4(GNAS):c.32A>G (p.Asn11Ser)

Gene: GNAS (GNAS complex locus; plus strand). Cytogenetic location: 20q13.32.
Variant type: single nucleotide variant.
Coding change: c.32A>G on transcript NM_080425.4 (MANE Plus Clinical); coding-DNA position 32, A replaced by G.
Protein change: p.Asn11Ser; replaces asparagine 11 with serine.
Molecular consequence: missense variant. On other transcripts: 5 prime UTR variant (2), intron variant (3).
Genome position (GRCh38, 1-based): chr20:58,853,297, A>G. VCF-style: chr20-58853297-A-G. GRCh37 (hg19) VCF-style: chr20-57428352-A-G.
Other names: c.-156A>G (NM_001077490.3, NM_001309883.1); c.32A>G, p.Asn11Ser (NM_001410913.1); c.*42+12411A>G (NM_016592.5); c.43+12411A>G (NM_001410912.1); c.-39+11422A>G (NM_001309861.2); short protein forms N11S.
Identifiers: ClinVar variation 3356820 (VCV003356820.1).

ClinVar aggregate classification (germline): Uncertain significance (0 of 4 stars; one submission).

Conditions:
GNAS-related disorder. Identifiers: MedGen CN380105.

gnomAD v4.1: 7 of 1,549,810 alleles (0.00045%); highest among the groups gnomAD compares: Admixed American, 0.002%; no homozygotes.

Submission:

PreventionGenetics, part of Exact Sciences
Classification: Uncertain significance for GNAS-related condition. Last evaluated: 2024-08-06. Review status: no assertion criteria provided. Collection method: clinical testing. Allele origin: germline.
Comment: The GNAS c.32A>G variant is predicted to result in the amino acid substitution p.Asn11Ser. To our knowledge, this variant has not been reported in the literature. This variant is reported in 0.0051% of alleles in individuals of European (Non-Finnish) descent in gnomAD. At this time, the clinical significance of this variant is uncertain due to the absence of conclusive functional and genetic evidence.